The following is an entry in ClinVar:

ClinVar aggregate classification (germline): Uncertain significance. Review status: criteria provided, multiple submitters, no conflicts (2 of 4 stars). 2 submissions from 2 submitters: Uncertain significance (2). Last evaluated 2024-01-01.

Allele frequency attached by ClinVar (database versions not stated): gnomAD exomes below 0.00001.

Submissions (2):

CeGaT Center for Human Genetics Tuebingen
Classification: Uncertain significance. Last evaluated: 2024-01-01. Review status: criteria provided, single submitter. Criteria: CeGaT Center For Human Genetics Tuebingen Variant Classification Criteria Version 2. Collection method: clinical testing. Allele origin: germline. Affected: yes. Observed: 1 variant allele.
Comment: ADNP: PM2, BP4

Labcorp Genetics (formerly Invitae), Labcorp
Classification: Uncertain significance. Last evaluated: 2022-08-09. Review status: criteria provided, single submitter. Criteria: Invitae Variant Classification Sherloc (09022015). Collection method: clinical testing. Allele origin: germline.
Comment: This variant is not present in population databases (gnomAD no frequency). This variant has not been reported in the literature in individuals affected with ADNP-related conditions. Algorithms developed to predict the effect of missense changes on protein structure and function output the following: SIFT: "Not Available"; PolyPhen-2: "Benign"; Align-GVGD: "Not Available". The isoleucine amino acid residue is found in multiple mammalian species, which suggests that this missense change does not adversely affect protein function. This sequence change replaces valine, which is neutral and non-polar, with isoleucine, which is neutral and non-polar, at codon 295 of the ADNP protein (p.Val295Ile). In summary, the available evidence is currently insufficient to determine the role of this variant in disease. Therefore, it has been classified as a Variant of Uncertain Significance.

NM_001282531.3(ADNP):c.883G>A (p.Val295Ile)

Gene: ADNP (activity dependent neuroprotector homeobox; minus strand). Cytogenetic location: 20q13.13.
Variant type: single nucleotide variant.
Coding change: c.883G>A on transcript NM_001282531.3 (MANE Select); coding-DNA position 883, G replaced by A.
Protein change: p.Val295Ile; replaces valine 295 with isoleucine.
Molecular consequence: missense variant.
Genome position (GRCh38, 1-based): chr20:50,893,831, C>T on the plus strand (G>A on the coding strand, the complement: ADNP is on the minus strand). VCF-style: chr20-50893831-C-T. GRCh37 (hg19) VCF-style: chr20-49510368-C-T.
Other names: c.883G>A, p.Val295Ile (NM_001282532.2, NM_001347511.2, NM_015339.5 and 1 more transcripts); short protein forms V295I.
Identifiers: ClinVar variation 2185831 (VCV002185831.26), dbSNP rs2515588909, ClinGen allele CA408975233.